The following is an entry in ClinVar:

ClinVar aggregate classification (germline): Conflicting classifications of pathogenicity. Review status: criteria provided, conflicting classifications (1 of 4 stars). 4 submissions from 4 submitters: Uncertain significance (1); Benign (1); Likely benign (2). Last evaluated 2026-01-29.

Allele frequency attached by ClinVar (database versions not stated): 1000 Genomes Project 0.00020; 1000 Genomes Project 30x 0.00031; TOPMed 0.00095; ESP Exome Variant Server 0.00100; gnomAD exomes 0.00117 and 0.00139; ExAC 0.00128; gnomAD 0.00132 and 0.00141.
gnomAD v4.1: 2,201 of 1,613,160 alleles (0.14%); highest among the groups gnomAD compares: Non-Finnish European, 0.16%; 2 homozygotes.

Submissions (4):

Labcorp Genetics (formerly Invitae), Labcorp
Classification: Benign. Last evaluated: 2026-01-29. Review status: criteria provided, single submitter. Criteria: Invitae Variant Classification Sherloc (09022015). Collection method: clinical testing. Allele origin: germline.

Blueprint Genetics
Classification: Likely benign. Last evaluated: 2024-11-28. Review status: criteria provided, single submitter. Criteria: ACMG Guidelines, 2015. Collection method: clinical testing. Allele origin: germline.

Mayo Clinic Laboratories, Mayo Clinic
Classification: Likely benign. Last evaluated: 2024-07-03. Review status: criteria provided, single submitter. Criteria: ACMG Guidelines, 2015. Collection method: clinical testing. Allele origin: germline. Observed: 4 variant alleles.
Comment: BS1, BP4

CeGaT Center for Human Genetics Tuebingen
Classification: Uncertain significance. Last evaluated: 2017-07-01. Review status: criteria provided, single submitter. Criteria: CeGaT Center For Human Genetics Tuebingen Variant Classification Criteria Version 2. Collection method: clinical testing. Allele origin: germline. Affected: yes. Observed: 1 variant allele.

NM_004750.5(CRLF1):c.356G>A (p.Arg119His)

Gene: CRLF1 (cytokine receptor like factor 1; minus strand). Cytogenetic location: 19p13.11.
Variant type: single nucleotide variant.
Coding change: c.356G>A on transcript NM_004750.5 (MANE Select); coding-DNA position 356, G replaced by A.
Protein change: p.Arg119His; replaces arginine 119 with histidine.
Molecular consequence: missense variant.
Genome position (GRCh38, 1-based): chr19:18,599,606, C>T on the plus strand (G>A on the coding strand, the complement: CRLF1 is on the minus strand). VCF-style: chr19-18599606-C-T. GRCh37 (hg19) VCF-style: chr19-18710416-C-T.
Other names: p.Arg119His; short protein forms R119H.
Identifiers: ClinVar variation 791655 (VCV000791655.52), dbSNP rs146027258, ClinGen allele CA9314274.
Genomic context (GRCh38, chr19:18,599,606, plus strand): 5'-GTCCTGGGTGCCAACTTACGGCCAACATAGAGGCAGGAGCCAGCCAGGATGCTGCCGTCA[C>T]GGGCGTGGCACACGAGGTTGTCCCCCGACCGCTGCCTGGACCCATTGAGGTTGGCCAGGG-3'
Protein context (NP_004741.1, residues 109-129): RSGDNLVCHA[Arg119His]DGSILAGSCL